The following is an entry in ClinVar:

ClinVar aggregate classification (germline): Likely benign. Review status: criteria provided, multiple submitters, no conflicts (2 of 4 stars). 2 submissions from 2 submitters: Likely benign (2). Last evaluated 2024-09-06.

Conditions:
Neuronal ceroid lipofuscinosis. Also called: Neuronal Ceroid Lipofuscinoses. Identifiers: Orphanet 216, Orphanet 79263, MedGen C0027877, MONDO:0016295. Disease mechanism: loss of function.

Allele frequency attached by ClinVar (database versions not stated): TOPMed below 0.00001; gnomAD 0.00003; gnomAD exomes 0.00004; ExAC 0.00006; 1000 Genomes Project 30x 0.00016; 1000 Genomes Project 0.00020.
gnomAD v4.1: 32 of 1,614,048 alleles (0.002%); highest among the groups gnomAD compares: South Asian, 0.031%; no homozygotes.

Submissions (2):

Labcorp Genetics (formerly Invitae), Labcorp
Classification: Likely benign for Neuronal ceroid lipofuscinosis. Last evaluated: 2024-09-06. Review status: criteria provided, single submitter. Criteria: Invitae Variant Classification Sherloc (09022015). Collection method: clinical testing. Allele origin: germline.

GeneDx
Classification: Likely benign. Last evaluated: 2018-03-27. Review status: criteria provided, single submitter. Criteria: GeneDx Variant Classification (06012015). Collection method: clinical testing. Allele origin: germline. Affected: yes.
Comment: This variant is considered likely benign or benign based on one or more of the following criteria: it is a conservative change, it occurs at a poorly conserved position in the protein, it is predicted to be benign by multiple in silico algorithms, and/or has population frequency not consistent with disease.

NM_001042432.2(CLN3):c.46+13G>A

Gene: CLN3 (CLN3 lysosomal/endosomal transmembrane protein, battenin; minus strand). Cytogenetic location: 16p12.1.
Variant type: single nucleotide variant.
Coding change: c.46+13G>A on transcript NM_001042432.2 (MANE Select); 13 bases into the intron after coding-DNA position 46, G replaced by A.
Molecular consequence: intron variant.
Genome position (GRCh38, 1-based): chr16:28,491,701, C>T on the plus strand (G>A on the coding strand, the complement: CLN3 is on the minus strand). VCF-style: chr16-28491701-C-T. GRCh37 (hg19) VCF-style: chr16-28503022-C-T.
Other names: c.-38+13G>A (NM_001286109.2, NM_001286110.2); c.46+13G>A (NM_001286104.2, NM_000086.2); c.-96+13G>A (NM_001286105.2).
Identifiers: ClinVar variation 681440 (VCV000681440.6), dbSNP rs532377265, ClinGen allele CA7981119.